The following is an entry in ClinVar:

ClinVar aggregate classification (germline): Uncertain significance (1 of 4 stars; one submission).

Conditions:
Cardiovascular phenotype. Identifiers: MedGen CN230736.

Submission:

Ambry Genetics
Classification: Uncertain significance for Cardiovascular phenotype. Last evaluated: 2024-01-23. Review status: criteria provided, single submitter. Criteria: Ambry Variant Classification Scheme 2023. Collection method: clinical testing. Allele origin: germline.
Comment: The p.H278D variant (also known as c.832C>G), located in coding exon 2 of the GDF2 gene, results from a C to G substitution at nucleotide position 832. The histidine at codon 278 is replaced by aspartic acid, an amino acid with similar properties. This amino acid position is highly conserved in available vertebrate species. In addition, the in silico prediction for this alteration is inconclusive (Choi Y et al. PLoS ONE. 2012; 7(10):e46688). Since supporting evidence is limited at this time, the clinical significance of this alteration remains unclear.

NM_016204.4(GDF2):c.832C>G (p.His278Asp)

Gene: GDF2 (growth differentiation factor 2; plus strand). Cytogenetic location: 10q11.22.
Variant type: single nucleotide variant.
Coding change: c.832C>G on transcript NM_016204.4 (MANE Select); coding-DNA position 832, C replaced by G.
Protein change: p.His278Asp; replaces histidine 278 with aspartic acid.
Molecular consequence: missense variant.
Genome position (GRCh38, 1-based): chr10:47,325,326, C>G. VCF-style: chr10-47325326-C-G. GRCh37 (hg19) VCF-style: chr10-48414036-G-C.
Other names: short protein forms H278D.
Identifiers: ClinVar variation 1762952 (VCV001762952.2), dbSNP rs2549019873, ClinGen allele CA376656145.